The following is an entry in ClinVar:

ClinVar aggregate classification (germline): Uncertain significance. Review status: criteria provided, multiple submitters, no conflicts (2 of 4 stars). 3 submissions from 3 submitters: Uncertain significance (3). Last evaluated 2024-04-15.

Conditions:
ABCC8-related disorder.

Allele frequency attached by ClinVar (database versions not stated): gnomAD 0.00001.
gnomAD v4.1: 9 of 1,614,038 alleles (0.00056%); highest among the groups gnomAD compares: Admixed American, 0.0017%; no homozygotes.

Submissions (3):

Labcorp Genetics (formerly Invitae), Labcorp
Classification: Uncertain significance. Last evaluated: 2024-04-15. Review status: criteria provided, single submitter. Criteria: Invitae Variant Classification Sherloc (09022015). Collection method: clinical testing. Allele origin: germline.
Comment: This sequence change replaces valine, which is neutral and non-polar, with isoleucine, which is neutral and non-polar, at codon 601 of the ABCC8 protein (p.Val601Ile). This variant is not present in population databases (gnomAD no frequency). This missense change has been observed in individual(s) with autosomal recessive congenital hyperinsulinism (PMID: 32871644). ClinVar contains an entry for this variant (Variation ID: 1696124). Advanced modeling of protein sequence and biophysical properties (such as structural, functional, and spatial information, amino acid conservation, physicochemical variation, residue mobility, and thermodynamic stability) has been performed at Invitae for this missense variant, however the output from this modeling did not meet the statistical confidence thresholds required to predict the impact of this variant on ABCC8 protein function. In summary, the available evidence is currently insufficient to determine the role of this variant in disease. Therefore, it has been classified as a Variant of Uncertain Significance.

PreventionGenetics, part of Exact Sciences
Classification: Uncertain significance for ABCC8-related condition. Last evaluated: 2023-05-02. Review status: criteria provided, single submitter. Criteria: ACMG Guidelines, 2015. Collection method: clinical testing. Allele origin: germline.
Comment: The ABCC8 c.1801G>A variant is predicted to result in the amino acid substitution p.Val601Ile. This variant was reported in homozygous or heterozygous state in patients with Hyperinsulinism or early onset diabetes, however, the pathogenicity of this variant was not elucidated (Kapoor et al 2013. PubMed ID: 23345197; Mouron-Hryciuk J et al 2020. PubMed ID: 32871644; Lee DH et al 2021. PubMed ID: 34135026). This variant has not been reported in a large population database, indicating this variant is rare. At this time, the clinical significance of this variant is uncertain due to the absence of conclusive functional and genetic evidence.

Women's Health and Genetics/Laboratory Corporation of America, LabCorp
Classification: Uncertain significance. Last evaluated: 2022-05-05. Review status: criteria provided, single submitter. Criteria: LabCorp Variant Classification Summary - May 2015. Collection method: clinical testing. Allele origin: germline.
Comment: Variant summary: ABCC8 c.1801G>A (p.Val601Ile) results in a conservative amino acid change located in the ABC transporter type 1, transmembrane domain of the encoded protein sequence. Three of five in-silico tools predict a benign effect of the variant on protein function. The variant was absent in 251438 control chromosomes. c.1801G>A has been reported in the literature in individuals affected with Familial Hyperinsulinism or suspected MODY. These data indicate that the variant may be associated with disease. To our knowledge, no experimental evidence demonstrating an impact on protein function has been reported. No clinical diagnostic laboratories have submitted clinical-significance assessments for this variant to ClinVar after 2014. Based on the evidence outlined above, the variant was classified as VUS-possibly pathogenic.

Literature cited by the submitters: PubMed 32871644 (cited by Labcorp Genetics (formerly Invitae), Labcorp and Women's Health and Genetics/Laboratory Corporation of America, LabCorp); PubMed 23345197 (cited by Women's Health and Genetics/Laboratory Corporation of America, LabCorp); PubMed 34135026 (cited by Women's Health and Genetics/Laboratory Corporation of America, LabCorp).

NM_000352.6(ABCC8):c.1801G>A (p.Val601Ile)

Gene: ABCC8 (ATP binding cassette subfamily C member 8; minus strand). Cytogenetic location: 11p15.1.
Variant type: single nucleotide variant.
Coding change: c.1801G>A on transcript NM_000352.6 (MANE Select); coding-DNA position 1801, G replaced by A.
Protein change: p.Val601Ile; replaces valine 601 with isoleucine.
Molecular consequence: missense variant. On other transcripts: non-coding transcript variant (1).
Genome position (GRCh38, 1-based): chr11:17,430,830, C>T on the plus strand (G>A on the coding strand, the complement: ABCC8 is on the minus strand). VCF-style: chr11-17430830-C-T. GRCh37 (hg19) VCF-style: chr11-17452377-C-T.
Other names: c.1801G>A, p.Val601Ile (NM_001287174.3, NM_001351295.2); c.1798G>A, p.Val600Ile (NM_001351296.2, NM_001351297.2); short protein forms V600I, V601I.
Identifiers: ClinVar variation 1696124 (VCV001696124.5), dbSNP rs1955813180, ClinGen allele CA379816896.